The following is an entry in ClinVar:

ClinVar aggregate classification (germline): Uncertain significance. Review status: criteria provided, multiple submitters, no conflicts (2 of 4 stars). 2 submissions from 2 submitters: Uncertain significance (2). Last evaluated 2025-03-13.

Submissions (2):

Dasa
Classification: Uncertain significance. Last evaluated: 2025-03-13. Review status: criteria provided, single submitter. Criteria: DASA Assertion Criteria. Collection method: clinical testing. Allele origin: germline.
Comment: NM_001690.4(ATP6V1A):c.535A>G (p.Ile179Val) is a missense variant that results in the substitution of isoleucine with valine. This variant is absent from population databases. Computational prediction algorithms are consistent with a benign effect. The currently available literature and clinical evidence are not sufficient to establish a definitive association between this variant and the reported condition. Therefore, this variant is classified as a variant of uncertain significance.

GeneDx
Classification: Uncertain significance. Last evaluated: 2023-08-08. Review status: criteria provided, single submitter. Criteria: GeneDx Variant Classification Process June 2021. Collection method: clinical testing. Allele origin: germline. Affected: yes.
Comment: Not observed at significant frequency in large population cohorts (gnomAD); In silico analysis supports that this missense variant does not alter protein structure/function; Has not been previously published as pathogenic or benign to our knowledge

NM_001690.4(ATP6V1A):c.535A>G (p.Ile179Val)

Gene: ATP6V1A (ATPase H+ transporting V1 subunit A; plus strand). Cytogenetic location: 3q13.31.
Variant type: single nucleotide variant.
Coding change: c.535A>G on transcript NM_001690.4 (MANE Select); coding-DNA position 535, A replaced by G.
Protein change: p.Ile179Val; replaces isoleucine 179 with valine.
Molecular consequence: missense variant.
Genome position (GRCh38, 1-based): chr3:113,784,804, A>G. VCF-style: chr3-113784804-A-G. GRCh37 (hg19) VCF-style: chr3-113503651-A-G.
Other names: short protein forms I179V.
Identifiers: ClinVar variation 3361893 (VCV003361893.3).